The following is an entry in ClinVar:

NM_007294.4(BRCA1):c.5156_5157insAATA (p.Thr1720fs)

Gene: BRCA1 (BRCA1 DNA repair associated; minus strand). Cytogenetic location: 17q21.31.
Variant type: Insertion.
Coding change: c.5156_5157insAATA on transcript NM_007294.4 (MANE Select); coding-DNA positions 5156 to 5157, AATA inserted.
Protein change: p.Thr1720fs; shifts the reading frame from threonine 1720.
Molecular consequence: frameshift variant. On other transcripts: non-coding transcript variant (1).
Genome position: GRCh38 VCF-style: chr17-43063369-C-CTATT. GRCh37 (hg19) VCF-style: chr17-41215386-C-CTATT.
Other names: c.4943_4944insAATA, p.Thr1649Ilefs (NM_001407571.1, NM_001407894.1, NM_001407895.1 and 12 more transcripts); c.5222_5223insAATA, p.Thr1742Ilefs (NM_001407581.1, NM_001407582.1); c.5219_5220insAATA, p.Thr1741Ilefs (NM_001407583.1, NM_001407585.1, NM_001407587.1); c.5216_5217insAATA, p.Thr1740Ilefs (NM_001407590.1, NM_001407591.1); c.5156_5157insAATA, p.Thr1720Ilefs (NM_001407593.1, NM_001407594.1, NM_001407596.1 and 7 more transcripts); c.5153_5154insAATA, p.Thr1719Ilefs (NM_001407610.1, NM_001407611.1, NM_001407612.1 and 17 more transcripts); c.5150_5151insAATA, p.Thr1718Ilefs (NM_001407627.1, NM_001407628.1, NM_001407629.1 and 14 more transcripts); c.5147_5148insAATA, p.Thr1717Ilefs (NM_001407644.1, NM_001407645.1); and 75 more; short protein forms T1673fs, T1720fs, T1741fs, T616fs.
Identifiers: ClinVar variation 548309 (VCV000548309.2), dbSNP rs1555578407, ClinGen allele CA658824720.

ClinVar aggregate classification (germline): Pathogenic (3 of 4 stars; one submission).

Conditions:
Breast-ovarian cancer, familial, susceptibility to, 1 (BROVCA1). Also called: BRCA1 Hereditary Breast and Ovarian Cancer; OVARIAN CANCER, SUSCEPTIBILITY TO. Identifiers: Orphanet 145, MedGen C2676676, MONDO:0011450, OMIM 604370. Disease mechanism: loss of function.

Submission:

Evidence-based Network for the Interpretation of Germline Mutant Alleles (ENIGMA)
Classification: Pathogenic for Breast-ovarian cancer, familial, susceptibility to, 1. Last evaluated: 2017-12-15. Review status: reviewed by expert panel. Criteria: ENIGMA BRCA1/2 Classification Criteria (2017-06-29). Collection method: curation. Allele origin: germline. Study: ENIGMA.
Comment: Variant allele predicted to encode a truncated non-functional protein.